The following is an entry in ClinVar:

NM_020778.5(ALPK3):c.3734_3735delinsTT (p.Gly1245Val)

Gene: ALPK3 (alpha kinase 3; plus strand). Cytogenetic location: 15q25.3.
Variant type: Indel.
Coding change: c.3734_3735delinsTT on transcript NM_020778.5 (MANE Select); coding-DNA positions 3734 to 3735, GC replaced by TT.
Protein change: p.Gly1245Val; replaces glycine 1245 with valine.
Molecular consequence: missense variant.
Genome position (GRCh38, 1-based): chr15:84,858,472-84,858,473, GC replaced by TT. VCF-style: chr15-84858472-GC-TT. GRCh37 (hg19) VCF-style: chr15-85401703-GC-TT.
Other names: short protein forms G1245V.
Identifiers: ClinVar variation 1967222 (VCV001967222.5), dbSNP rs2505722805, ClinGen allele CA2580090139.

ClinVar aggregate classification (germline): Uncertain significance (1 of 4 stars; one submission).

Submission:

Labcorp Genetics (formerly Invitae), Labcorp
Classification: Uncertain significance. Last evaluated: 2025-12-02. Review status: criteria provided, single submitter. Criteria: Invitae Variant Classification Sherloc (09022015). Collection method: clinical testing. Allele origin: germline.
Comment: This sequence change replaces glycine, which is neutral and non-polar, with valine, which is neutral and non-polar, at codon 1447 of the ALPK3 protein (p.Gly1447Val). Information on the frequency of this variant in the gnomAD database is not available, as this variant may be reported differently in the database. This variant has not been reported in the literature in individuals affected with ALPK3-related conditions. ClinVar contains an entry for this variant (Variation ID: 1967222). An algorithm developed to predict the effect of missense changes on protein structure and function (PolyPhen-2) suggests that this variant is likely to be disruptive. In summary, the available evidence is currently insufficient to determine the role of this variant in disease. Therefore, it has been classified as a Variant of Uncertain Significance.